The following is an entry in ClinVar:

ClinVar aggregate classification (germline): Uncertain significance. Review status: criteria provided, multiple submitters, no conflicts (2 of 4 stars). 9 submissions from 9 submitters: Uncertain significance (8). 1 of the submissions does not count toward it. Last evaluated 2025-07-17.

Conditions:
Hereditary cancer-predisposing syndrome. Also called: Neoplastic Syndromes, Hereditary; Hereditary Cancer Syndrome; Tumor predisposition; Hereditary neoplastic syndrome. Identifiers: Orphanet 140162, MedGen C0027672, MeSH D009386, MONDO:0015356.
Acute lymphoid leukemia (ALL). Also called: Lymphoblastic leukemia; Acute lymphoblastic leukemia; Acute lymphocytic leukemia; Leukemia, acute lymphoblastic, somatic. Identifiers: Orphanet 513, MedGen C0023449, MONDO:0004967, OMIM 613065, HP:0006721.
Microcephaly, normal intelligence and immunodeficiency (NBS). Also called: IMMUNODEFICIENCY, MICROCEPHALY, AND CHROMOSOMAL INSTABILITY; SEEMANOVA SYNDROME II; Immunodeficiency, microcephaly with normal intelligence; BERLIN BREAKAGE SYNDROME; Nijmegen breakage syndrome; Microcephaly with normal intelligence immunodeficiency and lymphoreticular malignancies. Identifiers: Orphanet 647, MedGen C0398791, MONDO:0009623, OMIM 251260.
Aplastic anemia. Identifiers: Orphanet 182040, Orphanet 88, MedGen C0002874, MONDO:0015909, OMIM 609135, HP:0001915.

Allele frequency attached by ClinVar (database versions not stated): gnomAD exomes below 0.00001 and 0.00001; ExAC 0.00001; gnomAD 0.00002; TOPMed 0.00002.

Submissions (9):

Labcorp Genetics (formerly Invitae), Labcorp
Classification: Uncertain significance for Microcephaly, normal intelligence and immunodeficiency. Last evaluated: 2025-07-17. Review status: criteria provided, single submitter. Criteria: Invitae Variant Classification Sherloc (09022015). Collection method: clinical testing. Allele origin: germline.
Comment: This sequence change replaces isoleucine, which is neutral and non-polar, with threonine, which is neutral and polar, at codon 310 of the NBN protein (p.Ile310Thr). This variant is present in population databases (rs753812768, gnomAD 0.0009%). This variant has not been reported in the literature in individuals affected with NBN-related conditions. ClinVar contains an entry for this variant (Variation ID: 239210). An algorithm developed to predict the effect of missense changes on protein structure and function (PolyPhen-2) suggests that this variant is likely to be disruptive. In summary, the available evidence is currently insufficient to determine the role of this variant in disease. Therefore, it has been classified as a Variant of Uncertain Significance.

Ambry Genetics
Classification: Uncertain significance for Hereditary cancer-predisposing syndrome. Last evaluated: 2025-02-24. Review status: criteria provided, single submitter. Criteria: Ambry Variant Classification Scheme 2023. Collection method: clinical testing. Allele origin: germline.
Comment: The p.I310T variant (also known as c.929T>C), located in coding exon 8 of the NBN gene, results from a T to C substitution at nucleotide position 929. The isoleucine at codon 310 is replaced by threonine, an amino acid with similar properties. This amino acid position is highly conserved in available vertebrate species. In addition, this alteration is predicted to be deleterious by in silico analysis. Since supporting evidence is limited at this time, the clinical significance of this alteration remains unclear.

Baylor Genetics
Classification: Uncertain significance for Aplastic anemia. Last evaluated: 2023-08-11. Review status: criteria provided, single submitter. Criteria: ACMG Guidelines, 2015. Collection method: clinical testing. Allele origin: unknown.

Genome-Nilou Lab
Classification: Uncertain significance for Microcephaly, normal intelligence and immunodeficiency. Last evaluated: 2021-11-07. Review status: criteria provided, single submitter. Criteria: ACMG Guidelines, 2015. Collection method: clinical testing. Allele origin: germline. Affected: no.

Fulgent Genetics
Classification: Uncertain significance for Microcephaly, normal intelligence and immunodeficiency; Aplastic anemia; Acute lymphoid leukemia. Last evaluated: 2021-07-27. Review status: criteria provided, single submitter. Criteria: ACMG Guidelines, 2015. Collection method: clinical testing. Allele origin: unknown.

Sema4
Classification: Uncertain significance for Hereditary cancer-predisposing syndrome. Last evaluated: 2021-05-06. Review status: criteria provided, single submitter. Criteria: Sema4 Curation Guidelines. Collection method: curation. Allele origin: germline.
Comment: The NBN c.929T>C (p.I310T) variant has not been reported in the literature to our knowledge. It was observed in 1/113584 chromosomes in the Non-Finnish European subpopulation in the large and broad cohorts of the Genome Aggregation Database (PMID: 32461654). The variant has been reported in ClinVar (Variation ID: 239210). In silico tools suggest the impact of the variant on protein function is inconclusive, though these predictions have not been confirmed by functional studies. The evidence is insufficient to meet ACMG/AMP criteria for classifying the variant as benign or pathogenic. Thus, the clinical significance of this variant is currently uncertain.

Blueprint Genetics
Classification: Uncertain significance. Last evaluated: 2018-07-12. Review status: criteria provided, single submitter. Criteria: ACMG Guidelines, 2015. Collection method: clinical testing. Allele origin: germline.

Mendelics
Classification: Uncertain significance for Microcephaly, normal intelligence and immunodeficiency. Last evaluated: 2018-07-02. Review status: criteria provided, single submitter. Criteria: Mendelics Assertion Criteria 2017. Collection method: clinical testing. Allele origin: unknown.

Natera, Inc.
Classification: Uncertain significance for Nijmegen breakage syndrome. Last evaluated: 2020-01-04. Review status: no assertion criteria provided. Collection method: clinical testing. Allele origin: germline. Not counted in ClinVar's aggregate classification.

NM_002485.5(NBN):c.929T>C (p.Ile310Thr)

Gene: NBN (nibrin; minus strand). Cytogenetic location: 8q21.3.
Variant type: single nucleotide variant.
Coding change: c.929T>C on transcript NM_002485.5 (MANE Select); coding-DNA position 929, T replaced by C.
Protein change: p.Ile310Thr; replaces isoleucine 310 with threonine.
Molecular consequence: missense variant.
Genome position (GRCh38, 1-based): chr8:89,964,475, A>G on the plus strand (T>C on the coding strand, the complement: NBN is on the minus strand). VCF-style: chr8-89964475-A-G. GRCh37 (hg19) VCF-style: chr8-90976703-A-G.
Other names: c.683T>C, p.Ile228Thr (NM_001024688.3); short protein forms I310T, I228T.
Identifiers: ClinVar variation 239210 (VCV000239210.26), dbSNP rs753812768, ClinGen allele CA4802847.